The following is an entry in ClinVar:

NM_152703.5(SAMD9L):c.4642G>A (p.Val1548Ile)

Gene: SAMD9L (sterile alpha motif domain containing 9 like; minus strand). Cytogenetic location: 7q21.2.
Variant type: single nucleotide variant.
Coding change: c.4642G>A on transcript NM_152703.5 (MANE Select); coding-DNA position 4642, G replaced by A.
Protein change: p.Val1548Ile; replaces valine 1548 with isoleucine.
Molecular consequence: missense variant.
Genome position (GRCh38, 1-based): chr7:93,131,330, C>T on the plus strand (G>A on the coding strand, the complement: SAMD9L is on the minus strand). VCF-style: chr7-93131330-C-T. GRCh37 (hg19) VCF-style: chr7-92760643-C-T.
Other names: c.4642G>A, p.Val1548Ile (NM_001350084.2, NM_001350085.2, NM_001303496.3 and 5 more transcripts); c.4642G>A (NM_152703.2); short protein forms V1548I.
Identifiers: ClinVar variation 1943513 (VCV001943513.6), dbSNP rs2535401019, ClinGen allele CA368170317.

ClinVar aggregate classification (germline): Uncertain significance. Review status: criteria provided, multiple submitters, no conflicts (2 of 4 stars). 2 submissions from 2 submitters: Uncertain significance (2). Last evaluated 2025-03-28.

Conditions:
Inborn genetic diseases. Identifiers: MedGen C0950123, MeSH D030342.

Allele frequency attached by ClinVar (database versions not stated): gnomAD exomes below 0.00001.
gnomAD v4.1: 1 of 1,613,376 alleles (0.000062%); highest among the groups gnomAD compares: Non-Finnish European, 0.000085%; no homozygotes.

Submissions (2):

Ambry Genetics
Classification: Uncertain significance for Inborn genetic diseases. Last evaluated: 2025-03-28. Review status: criteria provided, single submitter. Criteria: Ambry Variant Classification Scheme 2023. Collection method: clinical testing. Allele origin: germline.
Comment: The p.V1548I variant (also known as c.4642G>A), located in coding exon 1 of the SAMD9L gene, results from a G to A substitution at nucleotide position 4642. The valine at codon 1548 is replaced by isoleucine, an amino acid with highly similar properties. This amino acid position is conserved. In addition, this alteration is predicted to be tolerated by in silico analysis. Based on the available evidence, the clinical significance of this variant remains unclear.

Labcorp Genetics (formerly Invitae), Labcorp
Classification: Uncertain significance. Last evaluated: 2023-10-13. Review status: criteria provided, single submitter. Criteria: Invitae Variant Classification Sherloc (09022015). Collection method: clinical testing. Allele origin: germline.
Comment: This sequence change replaces valine, which is neutral and non-polar, with isoleucine, which is neutral and non-polar, at codon 1548 of the SAMD9L protein (p.Val1548Ile). This variant is not present in population databases (gnomAD no frequency). This variant has not been reported in the literature in individuals affected with SAMD9L-related conditions. ClinVar contains an entry for this variant (Variation ID: 1943513). Algorithms developed to predict the effect of missense changes on protein structure and function output the following: SIFT: "Not Available"; PolyPhen-2: "Benign"; Align-GVGD: "Not Available". The isoleucine amino acid residue is found in multiple mammalian species, which suggests that this missense change does not adversely affect protein function. In summary, the available evidence is currently insufficient to determine the role of this variant in disease. Therefore, it has been classified as a Variant of Uncertain Significance.